The following is an entry in ClinVar:

ClinVar aggregate classification (germline): Uncertain significance. Review status: criteria provided, multiple submitters, no conflicts (2 of 4 stars). 2 submissions from 2 submitters: Uncertain significance (2). Last evaluated 2023-03-20.

Conditions:
Endometrial carcinoma. Also called: Endometrial carcinoma, somatic. Identifiers: MedGen C0476089, MONDO:0002447, OMIM 608089, HP:0012114.
Lynch syndrome 5 (LYNCH5). Also called: Hereditary non-polyposis colorectal cancer, type 5; Colorectal cancer, hereditary nonpolyposis, type 5. Identifiers: Orphanet 144, MedGen C1833477, MONDO:0013710, OMIM 614350. Disease mechanism: loss of function.
Hereditary cancer-predisposing syndrome. Also called: Hereditary Cancer Syndrome; Hereditary neoplastic syndrome; Neoplastic Syndromes, Hereditary; Tumor predisposition. Identifiers: Orphanet 140162, MedGen C0027672, MeSH D009386, MONDO:0015356.

Submissions (2):

Ambry Genetics
Classification: Uncertain significance for Hereditary cancer-predisposing syndrome. Last evaluated: 2023-03-20. Review status: criteria provided, single submitter. Criteria: Ambry Variant Classification Scheme 2023. Collection method: clinical testing. Allele origin: germline.
Comment: The c.-5T>C variant is located in the 5' untranslated region (5&rsquo;UTR) of the MSH6 gene. This variant results from a T to C substitution 5 nucleotides upstream from the first translated codon. This nucleotide position is not well conserved in available vertebrate species. Since supporting evidence is limited at this time, the clinical significance of this alteration remains unclear.

Department of Pathology and Laboratory Medicine, Sinai Health System
Classification: Uncertain significance for Endometrial carcinoma; Lynch syndrome 5. Last evaluated: 2019-10-02. Review status: criteria provided, single submitter. Criteria: ACMG Guidelines, 2015. Collection method: clinical testing. Allele origin: germline. Affected: yes.

NM_000179.3(MSH6):c.-5T>C

Gene: MSH6 (mutS homolog 6; plus strand). Cytogenetic location: 2p16.3.
Variant type: single nucleotide variant.
Coding change: c.-5T>C on transcript NM_000179.3 (MANE Select); 5 bases upstream of the start codon, T replaced by C.
Molecular consequence: 5 prime UTR variant.
Genome position (GRCh38, 1-based): chr2:47,783,229, T>C. VCF-style: chr2-47783229-T-C. GRCh37 (hg19) VCF-style: chr2-48010368-T-C.
Other names: c.-5T>C (NM_001281492.2, NM_001406795.1, NM_001406796.1 and 9 more transcripts); c.-741T>C (NM_001281493.2, NM_001406811.1); c.-40T>C (NM_001406797.1, NM_001406801.1, NM_001406805.1); c.-333T>C (NM_001406799.1); c.-60T>C (NM_001406804.1); c.-71T>C (NM_001406806.1); c.-933T>C (NM_001406807.1); c.-588T>C (NM_001406812.1); and 3 more.
Identifiers: ClinVar variation 1751019 (VCV001751019.4), dbSNP rs1572697690, ClinGen allele CA2576961293.
Genomic context (GRCh38, chr2:47,783,229, plus strand): 5'-GCGGTAGATGCGGTGCTTTTAGGAGCTCCGTCCGACAGAACGGTTGGGCCTTGCCGGCTG[T>C]CGGTATGTCGCGACAGAGCACCCTGTACAGCTTCTTCCCCAAGTCTCCGGCGCTGAGTGA-3'